The following is an entry in ClinVar:

NM_000352.6(ABCC8):c.1817+1G>T

Gene: ABCC8 (ATP binding cassette subfamily C member 8; minus strand). Cytogenetic location: 11p15.1.
Variant type: single nucleotide variant.
Coding change: c.1817+1G>T on transcript NM_000352.6 (MANE Select); the canonical splice donor site of the intron after coding-DNA position 1817, G replaced by T.
Molecular consequence: splice donor variant.
Genome position (GRCh38, 1-based): chr11:17,430,813, C>A on the plus strand (G>T on the coding strand, the complement: ABCC8 is on the minus strand). VCF-style: chr11-17430813-C-A. GRCh37 (hg19) VCF-style: chr11-17452360-C-A.
Other names: c.1814+1G>T (NM_001351297.2, NM_001351296.2); c.1817+1G>T (NM_001351295.2, NM_001287174.3).
Identifiers: ClinVar variation 550630 (VCV000550630.3), dbSNP rs1554926476, ClinGen allele CA379816857.

ClinVar aggregate classification (germline): Uncertain significance. Review status: criteria provided, single submitter (1 of 4 stars). 3 submissions from 2 submitters: Uncertain significance (2). 1 of the submissions does not count toward it.

Conditions:
Hyperinsulinemic hypoglycemia, familial, 1 (HHF1). Also called: HYPERINSULINISM, FAMILIAL, WITH PANCREATIC NESIDIOBLASTOSIS; HYPOGLYCEMIA, HYPERINSULINEMIC, OF INFANCY; Persistent hyperinsulinemic hypoglycemia of infancy; NESIDIOBLASTOSIS OF PANCREAS; Persistent Hyperinsulinemia Hypoglycemia of Infancy. Identifiers: Orphanet 276575, Orphanet 276598, MedGen C2931832, MONDO:0009734, OMIM 256450.
Transitory neonatal diabetes mellitus. Also called: Transient neonatal diabetes mellitus. Identifiers: MedGen C0342273, MONDO:0020525, HP:0008255.
Maturity-onset diabetes of the young (MODY). Also called: Maturity onset diabetes mellitus in young. Identifiers: Orphanet 552, MedGen C0342276, MONDO:0018911, HP:0004904.

Submissions (3):

Clinical Genomics, Uppaluri K&H Personalized Medicine Clinic
Classification: Uncertain significance for Transitory neonatal diabetes mellitus. Review status: criteria provided, single submitter. Criteria: K & H Uppaluri Personalized Medicine Clinic Variant Classification & Assertion Criteria_Updated V.1. Collection method: research. Allele origin: somatic. Inheritance: Somatic mutation.
Comment: Mutations in ABCC8 gene are associated with both neonatal diabetes mellitus as well as MODY. Patients with this mutation may have a better response to sulfonylureas. However, no sufficient evidence is found to ascertain the role of this particular variant (rs1554926476) in neonatal diabetes yet.

Clinical Genomics, Uppaluri K&H Personalized Medicine Clinic
Classification: Uncertain significance for Maturity-onset diabetes of the young. Review status: criteria provided, single submitter. Criteria: K & H Uppaluri Personalized Medicine Clinic Variant Classification & Assertion Criteria_Updated V.1. Collection method: research. Allele origin: unknown. Inheritance: Somatic mutation.
Comment: Mutations in ABCC8 gene are associated with both neonatal diabetes mellitus as well as MODY. Patients with this mutation may have a better response to sulfonylureas. However, no sufficient evidence is found to ascertain the role of this particular variant (rs1554926476) in MODY yet.

Counsyl
Classification: Likely pathogenic for Hyperinsulinemic hypoglycemia, familial, 1. Last evaluated: 2017-02-07. Review status: no assertion criteria provided. Collection method: clinical testing. Allele origin: unknown. Not counted in ClinVar's aggregate classification.

Literature cited by the submitters: PubMed 16885549 (cited by Clinical Genomics, Uppaluri K&H Personalized Medicine Clinic); PubMed 27538677 (cited by Clinical Genomics, Uppaluri K&H Personalized Medicine Clinic); PubMed 21989597 (cited by Clinical Genomics, Uppaluri K&H Personalized Medicine Clinic); PubMed 18981553 (cited by Clinical Genomics, Uppaluri K&H Personalized Medicine Clinic); PubMed 32027066 (cited by Clinical Genomics, Uppaluri K&H Personalized Medicine Clinic); PubMed 16613899 (cited by Clinical Genomics, Uppaluri K&H Personalized Medicine Clinic); PubMed 18025408 (cited by Clinical Genomics, Uppaluri K&H Personalized Medicine Clinic); PubMed 32792356 (cited by Clinical Genomics, Uppaluri K&H Personalized Medicine Clinic).